The following is an entry in ClinVar:

ClinVar aggregate classification (germline): Uncertain significance (1 of 4 stars; one submission).

Conditions:
3-hydroxy-3-methylglutaryl-CoA synthase deficiency (HMGCS2D). Also called: HMG-CoA synthase-2 deficiency; HMGCS2 DEFICIENCY; MITOCHONDRIAL HMG-CoA SYNTHASE DEFICIENCY. Identifiers: Orphanet 35701, MedGen C2751532, MONDO:0011614, OMIM 605911.

Allele frequency attached by ClinVar (database versions not stated): gnomAD exomes below 0.00001; TOPMed below 0.00001; gnomAD 0.00001.
gnomAD v4.1: 7 of 1,614,084 alleles (0.00043%); highest among the groups gnomAD compares: Non-Finnish European, 0.00059%; no homozygotes.

Submission:

Labcorp Genetics (formerly Invitae), Labcorp
Classification: Uncertain significance for 3-hydroxy-3-methylglutaryl-CoA synthase deficiency. Last evaluated: 2022-08-02. Review status: criteria provided, single submitter. Criteria: Invitae Variant Classification Sherloc (09022015). Collection method: clinical testing. Allele origin: germline.
Comment: Algorithms developed to predict the effect of missense changes on protein structure and function (SIFT, PolyPhen-2, Align-GVGD) all suggest that this variant is likely to be disruptive. This sequence change replaces leucine, which is neutral and non-polar, with serine, which is neutral and polar, at codon 266 of the HMGCS2 protein (p.Leu266Ser). The frequency data for this variant in the population databases is considered unreliable, as metrics indicate poor data quality at this position in the gnomAD database. This missense change has been observed in individual(s) with HMGCS2 deficiency (PMID: 25511235). Experimental studies have shown that this missense change affects HMGCS2 function (PMID: 29597274). In summary, the available evidence is currently insufficient to determine the role of this variant in disease. Therefore, it has been classified as a Variant of Uncertain Significance.

Literature cited by the submitters: PubMed 25511235; PubMed 29597274.

NM_005518.4(HMGCS2):c.797T>C (p.Leu266Ser)

Gene: HMGCS2 (3-hydroxy-3-methylglutaryl-CoA synthase 2; minus strand). Cytogenetic location: 1p12.
Variant type: single nucleotide variant.
Coding change: c.797T>C on transcript NM_005518.4 (MANE Select); coding-DNA position 797, T replaced by C.
Protein change: p.Leu266Ser; replaces leucine 266 with serine.
Molecular consequence: missense variant.
Genome position (GRCh38, 1-based): chr1:119,759,171, A>G on the plus strand (T>C on the coding strand, the complement: HMGCS2 is on the minus strand). VCF-style: chr1-119759171-A-G. GRCh37 (hg19) VCF-style: chr1-120301794-A-G.
Other names: c.671T>C, p.Leu224Ser (NM_001166107.1); short protein forms L224S, L266S.
Identifiers: ClinVar variation 2202835 (VCV002202835.3), dbSNP rs918691885, ClinGen allele CA30272529.